The following is an entry in ClinVar:

NM_001242896.3(DEPDC5):c.3563+4A>G

Gene: DEPDC5 (DEP domain containing 5, GATOR1 subcomplex subunit; plus strand). Cytogenetic location: 22q12.3.
Variant type: single nucleotide variant.
Coding change: c.3563+4A>G on transcript NM_001242896.3 (MANE Select); 4 bases into the intron after coding-DNA position 3563, A replaced by G.
Molecular consequence: intron variant.
Genome position (GRCh38, 1-based): chr22:31,873,336, A>G. VCF-style: chr22-31873336-A-G. GRCh37 (hg19) VCF-style: chr22-32269322-A-G.
Other names: c.3563+4A>G (NM_001364318.2); c.3536+4A>G (NM_001136029.4); c.3470+4A>G (NM_014662.6, NM_001369903.1); c.3497+4A>G (NM_001363852.2, NM_001364320.2); c.3329+4A>G (NM_001363854.2, NM_001364319.2); c.3263+4A>G (NM_001242897.2); c.3479+4A>G (NM_001369902.1, NM_001369901.1).
Identifiers: ClinVar variation 2583001 (VCV002583001.26), dbSNP rs2522346424, ClinGen allele CA2577695118.

ClinVar aggregate classification (germline): Uncertain significance. Review status: criteria provided, multiple submitters, no conflicts (2 of 4 stars). 2 submissions from 2 submitters: Uncertain significance (2). Last evaluated 2025-03-04.

Conditions:
Epilepsy, familial focal, with variable foci 1 (FFEVF1). Also called: DEPDC5-Related Epilepsy. Identifiers: MedGen C4551983, MONDO:0024556, OMIM 604364.

Submissions (2):

Institute of Human Genetics, University of Leipzig Medical Center
Classification: Uncertain significance for Epilepsy, familial focal, with variable foci 1. Last evaluated: 2025-03-04. Review status: criteria provided, single submitter. Criteria: ACMG Guidelines, 2015. Collection method: clinical testing. Allele origin: unknown. Inheritance: Autosomal dominant inheritance. Affected: yes.
Comment: Criteria applied: PM2,PS4_SUP,PP3

CeGaT Center for Human Genetics Tuebingen
Classification: Uncertain significance. Last evaluated: 2023-09-01. Review status: criteria provided, single submitter. Criteria: CeGaT Center For Human Genetics Tuebingen Variant Classification Criteria Version 2. Collection method: clinical testing. Allele origin: germline. Affected: yes. Observed: 1 variant allele.
Comment: DEPDC5: PM2, PP3, PS4:Supporting